The following is an entry in ClinVar:

ClinVar aggregate classification (germline): Uncertain significance (1 of 4 stars; one submission).

Conditions:
Familial thoracic aortic aneurysm and aortic dissection (TAAD). Also called: Thoracic aortic aneurysms and dissections. Identifiers: Orphanet 91387, MedGen C4707243, MONDO:0019625.

gnomAD v4.1: 3 of 1,212,232 alleles (0.00025%); highest among the groups gnomAD compares: South Asian, 0.0018%; no homozygotes.

Submission:

Ambry Genetics
Classification: Uncertain significance for Familial thoracic aortic aneurysm and aortic dissection. Last evaluated: 2024-05-10. Review status: criteria provided, single submitter. Criteria: Ambry Variant Classification Scheme 2023. Collection method: clinical testing. Allele origin: germline.
Comment: The p.A398T variant (also known as c.1192G>A), located in coding exon 7 of the FLNA gene, results from a G to A substitution at nucleotide position 1192. The alanine at codon 398 is replaced by threonine, an amino acid with similar properties. This amino acid position is highly conserved in available vertebrate species. In addition, the in silico prediction for this alteration is inconclusive. Based on data from gnomAD, the A allele has an overall frequency of 0.0005% (1/181538) total alleles studied, with no hemizygote(s) observed. The highest observed frequency was 0.005% (1/19069) of South Asian alleles. Based on the available evidence, the clinical significance of this variant remains unclear.

NM_001110556.2(FLNA):c.1192G>A (p.Ala398Thr)

Gene: FLNA (filamin A; minus strand). Cytogenetic location: Xq28.
Variant type: single nucleotide variant.
Coding change: c.1192G>A on transcript NM_001110556.2 (MANE Select); coding-DNA position 1192, G replaced by A.
Protein change: p.Ala398Thr; replaces alanine 398 with threonine.
Molecular consequence: missense variant.
Genome position (GRCh38, 1-based): chrX:154,366,344, C>T on the plus strand (G>A on the coding strand, the complement: FLNA is on the minus strand). VCF-style: chrX-154366344-C-T. GRCh37 (hg19) VCF-style: chrX-153594712-C-T.
Other names: c.1192G>A, p.Ala398Thr (NM_001456.4); short protein forms A398T.
Identifiers: ClinVar variation 3279179 (VCV003279179.1).
Genomic context (GRCh38, chrX:154,366,344, plus strand): 5'-TGGGCCTTGGCAGCCTCCCCTCACCTGCCGTAAAGATCTCAAAGTAGGTGGTCTTGTTGG[C>T]GATGTTGCCACTGGGCTCCAGGCCGGGACCTTGGGCTGTCACTTTGCTGGCGTCACCCTG-3'
Protein context (NP_001104026.1, residues 388-408): GPGLEPSGNI[Ala398Thr]NKTTYFEIFT